The following is an entry in ClinVar:

NM_006059.4(LAMC3):c.2473G>C (p.Asp825His)

Gene: LAMC3 (laminin subunit gamma 3; plus strand). Cytogenetic location: 9q34.12.
Variant type: single nucleotide variant.
Coding change: c.2473G>C on transcript NM_006059.4 (MANE Select); coding-DNA position 2473, G replaced by C.
Protein change: p.Asp825His; replaces aspartic acid 825 with histidine.
Molecular consequence: missense variant.
Genome position (GRCh38, 1-based): chr9:131,067,085, G>C. VCF-style: chr9-131067085-G-C. GRCh37 (hg19) VCF-style: chr9-133942472-G-C.
Other names: c.2473G>C (NM_006059.3); short protein forms D825H.
Identifiers: ClinVar variation 1366515 (VCV001366515.4), dbSNP rs750635135, ClinGen allele CA5287445.
Genomic context (GRCh38, chr9:131,067,085, plus strand): 5'-CAGCCCTGCCACCAGTGCCAGTGTAGCGGGAACGTGGACCCCAATGCCGTGGGCAACTGT[G>C]ACCCCCTGTCTGGCCACTGCCTGCGCTGCCTGCACAACACCACGGGTGACCACTGTGAGC-3'
Protein context (NP_006050.3, residues 815-835): NVDPNAVGNC[Asp825His]PLSGHCLRCL

ClinVar aggregate classification (germline): Uncertain significance. Review status: criteria provided, multiple submitters, no conflicts (2 of 4 stars). 2 submissions from 2 submitters: Uncertain significance (2). Last evaluated 2025-09-10.

Conditions:
Inborn genetic diseases. Identifiers: MedGen C0950123, MeSH D030342.

Allele frequency attached by ClinVar (database versions not stated): TOPMed below 0.00001; gnomAD 0.00001.
gnomAD v4.1: 8 of 1,614,032 alleles (0.0005%); highest among the groups gnomAD compares: African/African-American, 0.0053%; no homozygotes.

Submissions (2):

Ambry Genetics
Classification: Uncertain significance for Inborn genetic diseases. Last evaluated: 2025-09-10. Review status: criteria provided, single submitter. Criteria: Ambry Variant Classification Scheme 2023. Collection method: clinical testing. Allele origin: germline.

Labcorp Genetics (formerly Invitae), Labcorp
Classification: Uncertain significance. Last evaluated: 2022-08-10. Review status: criteria provided, single submitter. Criteria: Invitae Variant Classification Sherloc (09022015). Collection method: clinical testing. Allele origin: germline.
Comment: This sequence change replaces aspartic acid, which is acidic and polar, with histidine, which is basic and polar, at codon 825 of the LAMC3 protein (p.Asp825His). This variant is not present in population databases (gnomAD no frequency). This variant has not been reported in the literature in individuals affected with LAMC3-related conditions. ClinVar contains an entry for this variant (Variation ID: 1366515). Algorithms developed to predict the effect of missense changes on protein structure and function are either unavailable or do not agree on the potential impact of this missense change (SIFT: "Deleterious"; PolyPhen-2: "Probably Damaging"; Align-GVGD: "Class C0"). In summary, the available evidence is currently insufficient to determine the role of this variant in disease. Therefore, it has been classified as a Variant of Uncertain Significance.